The following is an entry in ClinVar:

NM_138773.4(SLC25A46):c.977G>A (p.Cys326Tyr)

Gene: SLC25A46 (solute carrier family 25 member 46; plus strand). Cytogenetic location: 5q22.1.
Variant type: single nucleotide variant.
Coding change: c.977G>A on transcript NM_138773.4 (MANE Select); coding-DNA position 977, G replaced by A.
Protein change: p.Cys326Tyr; replaces cysteine 326 with tyrosine.
Molecular consequence: missense variant. On other transcripts: non-coding transcript variant (1).
Genome position (GRCh38, 1-based): chr5:110,761,502, G>A. VCF-style: chr5-110761502-G-A. GRCh37 (hg19) VCF-style: chr5-110097202-G-A.
Other names: p.Cys326Tyr; c.734G>A, p.Cys245Tyr (NM_001303249.3); c.704G>A, p.Cys235Tyr (NM_001303250.3); short protein forms C235Y, C245Y, C326Y.
Identifiers: ClinVar variation 3379595 (VCV003379595.1).
Genomic context (GRCh38, chr5:110,761,502, plus strand): 5'-TGCAGAGTATGTTGGATGCTTATTTTCCAGAACTTATTGCTAACTTTGCTGCCAGTCTTT[G>A]TTCTGACGTTATACTTTACCCATTGGAAACAGTTTTGCACCGCCTTCACATTCAAGGAAC-3'
Protein context (NP_620128.1, residues 316-336): ELIANFAASL[Cys326Tyr]SDVILYPLET

ClinVar aggregate classification (germline): Uncertain significance (1 of 4 stars; one submission).

Submission:

Mayo Clinic Laboratories, Mayo Clinic
Classification: Uncertain significance. Last evaluated: 2024-06-05. Review status: criteria provided, single submitter. Criteria: ACMG Guidelines, 2015. Collection method: clinical testing. Allele origin: germline. Observed: 1 variant allele.
Comment: PM2